The following is an entry in ClinVar:

NM_001035.3(RYR2):c.12663C>T (p.Ser4221=)

Genes: RYR2 (ryanodine receptor 2; plus strand), LOC126806068 (BRD4-independent group 4 enhancer GRCh37_chr1:237947411-237948610; plus strand). Cytogenetic location: 1q43.
Variant type: single nucleotide variant.
Coding change: c.12663C>T on transcript NM_001035.3 (MANE Select); coding-DNA position 12663, C replaced by T.
Protein change: p.Ser4221=; no amino-acid change (serine 4221 retained).
Molecular consequence: synonymous variant.
Genome position (GRCh38, 1-based): chr1:237,784,375, C>T. VCF-style: chr1-237784375-C-T. GRCh37 (hg19) VCF-style: chr1-237947675-C-T.
Identifiers: ClinVar variation 227908 (VCV000227908.30), dbSNP rs370297602, ClinGen allele CA085212.

ClinVar aggregate classification (germline): Benign/Likely benign. Review status: criteria provided, multiple submitters, no conflicts (2 of 4 stars). 11 submissions from 11 submitters: Benign (5); Likely benign (3). 3 of the submissions do not count toward it. Last evaluated 2026-02-03.

Conditions:
RYR2-related disorder. Also called: RYR2-related condition.
Cardiovascular phenotype. Identifiers: MedGen CN230736.
Catecholaminergic polymorphic ventricular tachycardia 1. Also called: VENTRICULAR TACHYCARDIA, STRESS-INDUCED POLYMORPHIC 1; VENTRICULAR TACHYCARDIA, CATECHOLAMINERGIC POLYMORPHIC, 1, WITH OR WITHOUT ATRIAL DYSFUNCTION AND/OR DILATED CARDIOMYOPATHY; RYR2-Related Catecholaminergic Polymorphic Ventricular Tachycardia. Identifiers: Orphanet 3286, MedGen C1631597, MONDO:0011484, OMIM 604772.
Cardiomyopathy (CMYO). Also called: Cardiomyopathies. Identifiers: Orphanet 167848, MedGen C0878544, MONDO:0004994, HP:0001638. Inheritance: Various modes of inheritance.

Allele frequency attached by ClinVar (database versions not stated): TOPMed 0.00046; gnomAD 0.00047 and 0.00051; ESP Exome Variant Server 0.00057.
gnomAD v4.1: 145 of 1,613,682 alleles (0.009%); highest among the groups gnomAD compares: African/African-American, 0.16%; 1 homozygote.

Submissions (11):

Labcorp Genetics (formerly Invitae), Labcorp
Classification: Benign for Catecholaminergic polymorphic ventricular tachycardia 1. Last evaluated: 2026-02-03. Review status: criteria provided, single submitter. Criteria: Invitae Variant Classification Sherloc (09022015). Collection method: clinical testing. Allele origin: germline.

Molecular Diagnostic Laboratory for Inherited Cardiovascular Disease, Montreal Heart Institute
Classification: Benign. Last evaluated: 2025-07-24. Review status: criteria provided, single submitter. Criteria: ACMG Guidelines, 2015. Collection method: clinical testing. Allele origin: germline. Affected: no.

Women's Health and Genetics/Laboratory Corporation of America, LabCorp
Classification: Benign. Last evaluated: 2024-09-29. Review status: criteria provided, single submitter. Criteria: LabCorp Variant Classification Summary - May 2015. Collection method: clinical testing. Allele origin: germline.

Blueprint Genetics
Classification: Likely benign. Last evaluated: 2023-06-20. Review status: criteria provided, single submitter. Criteria: ACMG Guidelines, 2015. Collection method: clinical testing. Allele origin: germline.

Ambry Genetics
Classification: Likely benign for Cardiovascular phenotype. Last evaluated: 2019-04-25. Review status: criteria provided, single submitter. Criteria: Ambry Variant Classification Scheme 2023. Collection method: clinical testing. Allele origin: germline.

Color Diagnostics, LLC DBA Color Health
Classification: Benign for Cardiomyopathy. Last evaluated: 2019-01-20. Review status: criteria provided, single submitter. Criteria: ACMG Guidelines, 2015. Collection method: clinical testing. Allele origin: germline.

GeneDx
Classification: Benign. Last evaluated: 2015-03-03. Review status: criteria provided, single submitter. Criteria: GeneDx Variant Classification Process June 2021. Collection method: clinical testing. Allele origin: germline. Affected: yes.

Laboratory for Molecular Medicine, Mass General Brigham Personalized Medicine
Classification: Likely benign. Last evaluated: 2012-03-19. Review status: criteria provided, single submitter. Criteria: LMM Criteria. Collection method: clinical testing. Allele origin: germline. Observed: 1 variant allele.
Comment: p.Ser4221Ser in Exon 90 of RYR2: This variant is not expected to have clinical s ignificance because it does not alter an amino acid residue, is not located with in the splice consensus sequence. It has been identified in 0.1% (3/3310) of Afr ican American chromosomes from a broad population by the NHLBI Exome Sequencing Project.

PreventionGenetics, part of Exact Sciences
Classification: Likely benign for RYR2-related condition. Last evaluated: 2019-07-16. Review status: no assertion criteria provided. Collection method: clinical testing. Allele origin: germline. Not counted in ClinVar's aggregate classification.
Comment: This variant is classified as likely benign based on ACMG/AMP sequence variant interpretation guidelines (Richards et al. 2015 PMID: 25741868, with internal and published modifications).

Clinical Genetics DNA and cytogenetics Diagnostics Lab, Erasmus MC, Erasmus Medical Center
Classification: Uncertain significance. Review status: no assertion criteria provided. Collection method: clinical testing. Allele origin: germline. Affected: yes. Study: VKGL Data-share Consensus. Not counted in ClinVar's aggregate classification.

Joint Genome Diagnostic Labs from Nijmegen and Maastricht, Radboudumc and MUMC+
Classification: Uncertain significance. Review status: no assertion criteria provided. Collection method: clinical testing. Allele origin: germline. Affected: yes. Study: VKGL Data-share Consensus. Not counted in ClinVar's aggregate classification.